The following is an entry in ClinVar:

ClinVar aggregate classification (germline): Uncertain significance (1 of 4 stars; one submission).

Allele frequency attached by ClinVar (database versions not stated): gnomAD exomes 0.00001; gnomAD 0.00003 and 0.00004; ExAC 0.00007.
gnomAD v4.1: 10 of 1,568,686 alleles (0.00064%); highest among the groups gnomAD compares: African/African-American, 0.0095%; no homozygotes.

Submission:

Labcorp Genetics (formerly Invitae), Labcorp
Classification: Uncertain significance. Last evaluated: 2023-07-07. Review status: criteria provided, single submitter. Criteria: Invitae Variant Classification Sherloc (09022015). Collection method: clinical testing. Allele origin: germline.
Comment: In summary, the available evidence is currently insufficient to determine the role of this variant in disease. Therefore, it has been classified as a Variant of Uncertain Significance. Algorithms developed to predict the effect of missense changes on protein structure and function output the following: SIFT: "Not Available"; PolyPhen-2: "Benign"; Align-GVGD: "Not Available". The serine amino acid residue is found in multiple mammalian species, which suggests that this missense change does not adversely affect protein function. ClinVar contains an entry for this variant (Variation ID: 1023934). This variant has not been reported in the literature in individuals affected with SLC24A1-related conditions. The frequency data for this variant in the population databases is considered unreliable, as metrics indicate poor data quality at this position in the gnomAD database. This sequence change replaces glycine, which is neutral and non-polar, with serine, which is neutral and polar, at codon 743 of the SLC24A1 protein (p.Gly743Ser).

NM_004727.3(SLC24A1):c.2227G>A (p.Gly743Ser)

Gene: SLC24A1 (solute carrier family 24 member 1; plus strand). Cytogenetic location: 15q22.31.
Variant type: single nucleotide variant.
Coding change: c.2227G>A on transcript NM_004727.3 (MANE Select); coding-DNA position 2227, G replaced by A.
Protein change: p.Gly743Ser; replaces glycine 743 with serine.
Molecular consequence: missense variant.
Genome position (GRCh38, 1-based): chr15:65,645,698, G>A. VCF-style: chr15-65645698-G-A. GRCh37 (hg19) VCF-style: chr15-65938036-G-A.
Other names: c.208G>A, p.Gly70Ser (NM_001254740.2); c.2227G>A, p.Gly743Ser (NM_001301031.1); c.2173G>A, p.Gly725Ser (NM_001301032.1, NM_001301033.2); short protein forms G70S, G725S, G743S.
Identifiers: ClinVar variation 1023934 (VCV001023934.8), dbSNP rs759908366, ClinGen allele CA7620117.
Genomic context (GRCh38, chr15:65,645,698, plus strand): 5'-GTCACGGTCACACCAGCCCCTGTTCCAGACATCAAGGGAGATCAGAAGGAGAATCCAGGC[G>A]GTCAGGTAGGCACCCAGCCTTGGCACAGACAAAATTGGAGAGGTCTAGGGAAGGAACTCT-3'
Protein context (NP_004718.1, residues 733-753): IKGDQKENPG[Gly743Ser]QEDVAEAEST